The following is an entry in ClinVar:

ClinVar aggregate classification (germline): Uncertain significance. Review status: criteria provided, multiple submitters, no conflicts (2 of 4 stars). 2 submissions from 2 submitters: Uncertain significance (2). Last evaluated 2025-06-29.

Conditions:
Primary ciliary dyskinesia. Also called: Ciliary dyskinesia. Identifiers: Orphanet 244, MedGen C0008780, MONDO:0016575, HP:0012265.

Allele frequency attached by ClinVar (database versions not stated): gnomAD exomes below 0.00001; TOPMed 0.00002.
gnomAD v4.1: 4 of 1,614,156 alleles (0.00025%); highest among the groups gnomAD compares: Non-Finnish European, 0.00025%; no homozygotes.

Submissions (2):

Ambry Genetics
Classification: Uncertain significance for Primary ciliary dyskinesia. Last evaluated: 2025-06-29. Review status: criteria provided, single submitter. Criteria: Ambry Variant Classification Scheme 2023. Collection method: clinical testing. Allele origin: germline.

Labcorp Genetics (formerly Invitae), Labcorp
Classification: Uncertain significance for Primary ciliary dyskinesia. Last evaluated: 2022-07-01. Review status: criteria provided, single submitter. Criteria: Invitae Variant Classification Sherloc (09022015). Collection method: clinical testing. Allele origin: germline.
Comment: In summary, the available evidence is currently insufficient to determine the role of this variant in disease. Therefore, it has been classified as a Variant of Uncertain Significance. Algorithms developed to predict the effect of missense changes on protein structure and function are either unavailable or do not agree on the potential impact of this missense change (SIFT: "Deleterious"; PolyPhen-2: "Possibly Damaging"; Align-GVGD: "Class C0"). This variant has not been reported in the literature in individuals affected with DNAAF1-related conditions. This variant is present in population databases (rs371065429, gnomAD 0.007%). This sequence change replaces arginine, which is basic and polar, with histidine, which is basic and polar, at codon 132 of the DNAAF1 protein (p.Arg132His).

NM_178452.6(DNAAF1):c.395G>A (p.Arg132His)

Gene: DNAAF1 (dynein axonemal assembly factor 1; plus strand). Cytogenetic location: 16q24.1.
Variant type: single nucleotide variant.
Coding change: c.395G>A on transcript NM_178452.6 (MANE Select); coding-DNA position 395, G replaced by A.
Protein change: p.Arg132His; replaces arginine 132 with histidine.
Molecular consequence: missense variant.
Genome position (GRCh38, 1-based): chr16:84,154,619, G>A. VCF-style: chr16-84154619-G-A. GRCh37 (hg19) VCF-style: chr16-84188224-G-A.
Other names: c.395G>A (NM_178452.4); short protein forms R132H.
Identifiers: ClinVar variation 2053373 (VCV002053373.4), dbSNP rs371065429, ClinGen allele CA285503840.
Genomic context (GRCh38, chr16:84,154,619, plus strand): 5'-GTGCTTCCTTTTTGTTAGGTTTTGATCGCATTGAGAACCTGGAAGAGTACACAGGGCTGC[G>A]CTGTCTCTGGCTGCAGAGCAATGGAATACAGAAAATCGAAAACCTGGAGGCCCAAACTGA-3'
Protein context (NP_848547.4, residues 122-142): IENLEEYTGL[Arg132His]CLWLQSNGIQ